The following is an entry in ClinVar:

ClinVar aggregate classification (germline): Benign/Likely benign. Review status: criteria provided, multiple submitters, no conflicts (2 of 4 stars). 6 submissions from 6 submitters: Benign (3); Likely benign (3). Last evaluated 2026-09-01.

Conditions:
AHDC1-related intellectual disability - obstructive sleep apnea - mild dysmorphism syndrome. Also called: Xia-Gibbs syndrome. Identifiers: Orphanet 412069, MedGen C4014419, MONDO:0014358, OMIM 615829.

Allele frequency attached by ClinVar (database versions not stated): 1000 Genomes Project 0.00160; ESP Exome Variant Server 0.00369; TOPMed 0.00499; ExAC 0.01136; gnomAD 0.00501 and 0.00514; gnomAD exomes 0.00553; 1000 Genomes Project 30x 0.00156.
gnomAD v4.1: 9,316 of 1,581,454 alleles (0.59%); highest among the groups gnomAD compares: Middle Eastern, 0.82%; 26 homozygotes.

Submissions (6):

CeGaT Center for Human Genetics Tuebingen
Classification: Likely benign. Last evaluated: 2026-09-01. Review status: criteria provided, single submitter. Criteria: CeGaT Center For Human Genetics Tuebingen Variant Classification Criteria Version 2. Collection method: clinical testing. Allele origin: germline. Affected: yes. Observed: 33 variant alleles.
Comment: AHDC1: BS2

Labcorp Genetics (formerly Invitae), Labcorp
Classification: Benign. Last evaluated: 2026-01-28. Review status: criteria provided, single submitter. Criteria: Invitae Variant Classification Sherloc (09022015). Collection method: clinical testing. Allele origin: germline.

Genome-Nilou Lab
Classification: Benign for AHDC1-related intellectual disability - obstructive sleep apnea - mild dysmorphism syndrome. Last evaluated: 2021-12-05. Review status: criteria provided, single submitter. Criteria: ACMG Guidelines, 2015. Collection method: clinical testing. Allele origin: germline. Affected: no.

GeneDx
Classification: Benign. Last evaluated: 2018-12-21. Review status: criteria provided, single submitter. Criteria: GeneDx Variant Classification Process June 2021. Collection method: clinical testing. Allele origin: germline. Affected: yes.

Center for Pediatric Genomic Medicine, Children's Mercy Hospital and Clinics
Classification: Likely benign. Last evaluated: 2015-12-23. Review status: criteria provided, single submitter. Criteria: ACMG Guidelines, 2015. Collection method: clinical testing. Allele origin: germline.
ClinVar note: Converted during submission from Likely Benign to Likely benign.

Breakthrough Genomics
Classification: Likely benign. Review status: criteria provided, single submitter. Criteria: ACMG Guidelines, 2015. Collection method: not provided. Allele origin: germline. Inheritance: Autosomal dominant inheritance. Affected: yes.

NM_001371928.1(AHDC1):c.1235G>A (p.Arg412His)

Gene: AHDC1 (AT-hook DNA binding motif containing 1; minus strand). Cytogenetic location: 1p36.11.
Variant type: single nucleotide variant.
Coding change: c.1235G>A on transcript NM_001371928.1 (MANE Select); coding-DNA position 1235, G replaced by A.
Protein change: p.Arg412His; replaces arginine 412 with histidine.
Molecular consequence: missense variant.
Genome position (GRCh38, 1-based): chr1:27,550,881, C>T on the plus strand (G>A on the coding strand, the complement: AHDC1 is on the minus strand). VCF-style: chr1-27550881-C-T. GRCh37 (hg19) VCF-style: chr1-27877392-C-T.
Other names: c.1235G>A, p.Arg412His (NM_001029882.3); short protein forms R412H.
Identifiers: ClinVar variation 235372 (VCV000235372.38), dbSNP rs181285619, ClinGen allele CA715985.